The following is an entry in ClinVar:

NM_030665.4(RAI1):c.4130G>T (p.Gly1377Val)

Gene: RAI1 (retinoic acid induced 1; plus strand). Cytogenetic location: 17p11.2.
Variant type: single nucleotide variant.
Coding change: c.4130G>T on transcript NM_030665.4 (MANE Select); coding-DNA position 4130, G replaced by T.
Protein change: p.Gly1377Val; replaces glycine 1377 with valine.
Molecular consequence: missense variant.
Genome position (GRCh38, 1-based): chr17:17,797,078, G>T. VCF-style: chr17-17797078-G-T. GRCh37 (hg19) VCF-style: chr17-17700392-G-T.
Other names: short protein forms G1377V.
Identifiers: ClinVar variation 3348934 (VCV003348934.1).

ClinVar aggregate classification (germline): Uncertain significance (0 of 4 stars; one submission).

Conditions:
RAI1-related disorder. Also called: RAI1-related condition.

gnomAD v4.1: 1 of 1,614,032 alleles (0.000062%); highest among the groups gnomAD compares: African/African-American, 0.0013%; no homozygotes.

Submission:

PreventionGenetics, part of Exact Sciences
Classification: Uncertain significance for RAI1-related condition. Last evaluated: 2024-07-10. Review status: no assertion criteria provided. Collection method: clinical testing. Allele origin: germline.
Comment: The RAI1 c.4130G>T variant is predicted to result in the amino acid substitution p.Gly1377Val. To our knowledge, this variant has not been reported in the literature or in a large population database, indicating this variant is rare. At this time, the clinical significance of this variant is uncertain due to the absence of conclusive functional and genetic evidence.